The following is an entry in ClinVar:

ClinVar aggregate classification (germline): Uncertain significance (1 of 4 stars; one submission).

Submission:

Ambry Genetics
Classification: Uncertain significance. Last evaluated: 2023-10-12. Review status: criteria provided, single submitter. Criteria: Ambry Variant Classification Scheme 2023. Collection method: clinical testing. Allele origin: germline.
Comment: The p.R1431G variant (also known as c.4291A>G), located in coding exon 4 of the ALPK2 gene, results from an A to G substitution at nucleotide position 4291. The arginine at codon 1431 is replaced by glycine, an amino acid with dissimilar properties. This amino acid position is conserved. In addition, this alteration is predicted to be tolerated by in silico analysis. Since supporting evidence is limited at this time, the clinical significance of this alteration remains unclear.

NM_052947.4(ALPK2):c.4291A>G (p.Arg1431Gly)

Genes: ALPK2 (alpha kinase 2; minus strand), LOC126862764 (BRD4-independent group 4 enhancer GRCh37_chr18:56202574-56203773; plus strand). Cytogenetic location: 18q21.31.
Variant type: single nucleotide variant.
Coding change: c.4291A>G on transcript NM_052947.4 (MANE Select); coding-DNA position 4291, A replaced by G.
Protein change: p.Arg1431Gly; replaces arginine 1431 with glycine.
Molecular consequence: missense variant.
Genome position (GRCh38, 1-based): chr18:58,535,896, T>C on the plus strand (A>G on the coding strand, the complement: ALPK2 is on the minus strand). VCF-style: chr18-58535896-T-C. GRCh37 (hg19) VCF-style: chr18-56203128-T-C.
Other names: short protein forms R1431G.
Identifiers: ClinVar variation 3228731 (VCV003228731.1), dbSNP rs2518875060, ClinGen allele CA402563328.